The following is an entry in ClinVar:

ClinVar aggregate classification (germline): Benign. Review status: criteria provided, multiple submitters, no conflicts (2 of 4 stars). 2 submissions from 2 submitters: Benign (2). Last evaluated 2018-06-20.

Allele frequency attached by ClinVar (database versions not stated): 1000 Genomes Project 0.12021; 1000 Genomes Project 30x 0.12180; TOPMed 0.19231; gnomAD 0.20311 and 0.20341.
gnomAD v4.1: 307,258 of 1,173,060 alleles (26%); highest among the groups gnomAD compares: Non-Finnish European, 31%; 44,479 homozygotes.

Submissions (2):

GeneDx
Classification: Benign. Last evaluated: 2018-06-20. Review status: criteria provided, single submitter. Criteria: GeneDx Variant Classification (06012015). Collection method: clinical testing. Allele origin: germline. Affected: yes.
Comment: This variant is considered likely benign or benign based on one or more of the following criteria: it is a conservative change, it occurs at a poorly conserved position in the protein, it is predicted to be benign by multiple in silico algorithms, and/or has population frequency not consistent with disease.

Breakthrough Genomics
Classification: Benign. Review status: criteria provided, single submitter. Criteria: ACMG Guidelines, 2015. Collection method: not provided. Allele origin: germline. Inheritance: Autosomal recessive inheritance. Affected: yes.

NM_030962.4(SBF2):c.514-53A>T

Gene: SBF2 (SET binding factor 2; minus strand). Cytogenetic location: 11p15.4.
Variant type: single nucleotide variant.
Coding change: c.514-53A>T on transcript NM_030962.4 (MANE Select); 53 bases into the intron before coding-DNA position 514, A replaced by T.
Molecular consequence: intron variant.
Genome position (GRCh38, 1-based): chr11:10,028,610, T>A on the plus strand (A>T on the coding strand, the complement: SBF2 is on the minus strand). VCF-style: chr11-10028610-T-A. GRCh37 (hg19) VCF-style: chr11-10050157-T-A.
Other names: c.514-53A>T (NM_001386342.1, NM_001386339.1).
Identifiers: ClinVar variation 670559 (VCV000670559.2), dbSNP rs10840344, ClinGen allele CA13372834.